The following is an entry in ClinVar:

ClinVar aggregate classification (germline): Uncertain significance (1 of 4 stars; one submission).

gnomAD v4.1: 11 of 1,614,166 alleles (0.00068%); highest among the groups gnomAD compares: Non-Finnish European, 0.00085%; no homozygotes.

Submission:

Athena Diagnostics
Classification: Uncertain significance. Last evaluated: 2025-05-05. Review status: criteria provided, single submitter. Criteria: Athena Diagnostics Criteria. Collection method: clinical testing. Allele origin: unknown.
Comment: Available data are insufficient to determine the clinical significance of the variant at this time. This variant has not been reported in large, multi-ethnic general populations. Computational tools disagree on the variant's effect on normal protein function.

NM_024577.4(SH3TC2):c.3110T>G (p.Leu1037Arg)

Gene: SH3TC2 (SH3 domain and tetratricopeptide repeats 2; minus strand). Cytogenetic location: 5q32.
Variant type: single nucleotide variant.
Coding change: c.3110T>G on transcript NM_024577.4 (MANE Select); coding-DNA position 3110, T replaced by G.
Protein change: p.Leu1037Arg; replaces leucine 1037 with arginine.
Molecular consequence: missense variant.
Genome position (GRCh38, 1-based): chr5:149,012,678, A>C on the plus strand (T>G on the coding strand, the complement: SH3TC2 is on the minus strand). VCF-style: chr5-149012678-A-C. GRCh37 (hg19) VCF-style: chr5-148392241-A-C.
Other names: short protein forms L1037R.
Identifiers: ClinVar variation 4682362 (VCV004682362.1).